The following is an entry in ClinVar:

NM_000890.5(KCNJ5):c.159C>A (p.Tyr53Ter)

Gene: KCNJ5 (potassium inwardly rectifying channel subfamily J member 5; plus strand). Cytogenetic location: 11q24.3.
Variant type: single nucleotide variant.
Coding change: c.159C>A on transcript NM_000890.5 (MANE Select); coding-DNA position 159, C replaced by A.
Protein change: p.Tyr53Ter; replaces tyrosine 53 with a stop codon.
Molecular consequence: nonsense.
Genome position (GRCh38, 1-based): chr11:128,911,432, C>A. VCF-style: chr11-128911432-C-A. GRCh37 (hg19) VCF-style: chr11-128781327-C-A.
Other names: c.159C>A, p.Tyr53Ter (NM_001354169.2); short protein forms Y53*.
Identifiers: ClinVar variation 3359288 (VCV003359288.1).

ClinVar aggregate classification (germline): Uncertain significance (1 of 4 stars; one submission).

gnomAD v4.1: 3 of 1,614,256 alleles (0.00019%); highest among the groups gnomAD compares: South Asian, 0.0033%; no homozygotes.

Submission:

GeneDx
Classification: Uncertain significance. Last evaluated: 2023-05-30. Review status: criteria provided, single submitter. Criteria: GeneDx Variant Classification Process June 2021. Collection method: clinical testing. Allele origin: germline. Affected: yes.
Comment: Has not been previously published as pathogenic or benign to our knowledge; Not observed at significant frequency in large population cohorts (gnomAD)